The following is an entry in ClinVar:

ClinVar aggregate classification (germline): Conflicting classifications of pathogenicity. Review status: criteria provided, conflicting classifications (1 of 4 stars). 2 submissions from 2 submitters: Uncertain significance (1); Likely benign (1). Last evaluated 2025-11-06.

Conditions:
Inborn genetic diseases. Identifiers: MedGen C0950123, MeSH D030342.

Allele frequency attached by ClinVar (database versions not stated): gnomAD 0.00001; ExAC 0.00002.
gnomAD v4.1: 3 of 1,613,836 alleles (0.00019%); highest among the groups gnomAD compares: East Asian, 0.0067%; no homozygotes.

Submissions (2):

Labcorp Genetics (formerly Invitae), Labcorp
Classification: Uncertain significance. Last evaluated: 2025-11-06. Review status: criteria provided, single submitter. Criteria: Invitae Variant Classification Sherloc (09022015). Collection method: clinical testing. Allele origin: germline.
Comment: This sequence change replaces phenylalanine, which is neutral and non-polar, with leucine, which is neutral and non-polar, at codon 902 of the NRIP1 protein (p.Phe902Leu). This variant is present in population databases (rs745308120, gnomAD 0.02%). This variant has not been reported in the literature in individuals affected with NRIP1-related conditions. ClinVar contains an entry for this variant (Variation ID: 2481719). An algorithm developed to predict the effect of missense changes on protein structure and function outputs the following: PolyPhen-2: "Benign". The leucine amino acid residue is found in multiple mammalian species, which suggests that this missense change does not adversely affect protein function. In summary, the available evidence is currently insufficient to determine the role of this variant in disease. Therefore, it has been classified as a Variant of Uncertain Significance.

Ambry Genetics
Classification: Likely benign for Inborn genetic diseases. Last evaluated: 2023-02-07. Review status: criteria provided, single submitter. Criteria: Ambry Variant Classification Scheme 2023. Collection method: clinical testing. Allele origin: germline.

NM_003489.4(NRIP1):c.2706T>G (p.Phe902Leu)

Gene: NRIP1 (nuclear receptor interacting protein 1; minus strand). Cytogenetic location: 21q11.2.
Variant type: single nucleotide variant.
Coding change: c.2706T>G on transcript NM_003489.4 (MANE Select); coding-DNA position 2706, T replaced by G.
Protein change: p.Phe902Leu; replaces phenylalanine 902 with leucine.
Molecular consequence: missense variant.
Genome position (GRCh38, 1-based): chr21:14,965,487, A>C on the plus strand (T>G on the coding strand, the complement: NRIP1 is on the minus strand). VCF-style: chr21-14965487-A-C. GRCh37 (hg19) VCF-style: chr21-16337808-A-C.
Other names: short protein forms F902L.
Identifiers: ClinVar variation 2481719 (VCV002481719.3), dbSNP rs745308120, ClinGen allele CA9981095.